The following is an entry in ClinVar:

ClinVar aggregate classification (germline): Uncertain significance (1 of 4 stars; one submission).

Conditions:
Inborn genetic diseases. Identifiers: MedGen C0950123, MeSH D030342.

Allele frequency attached by ClinVar (database versions not stated): gnomAD exomes 0.00001; ExAC 0.00002.
gnomAD v4.1: 4 of 1,614,078 alleles (0.00025%); highest among the groups gnomAD compares: South Asian, 0.0033%; no homozygotes.

Submission:

Ambry Genetics
Classification: Uncertain significance for Inborn genetic diseases. Last evaluated: 2018-10-20. Review status: criteria provided, single submitter. Criteria: Ambry Variant Classification Scheme 2023. Collection method: clinical testing. Allele origin: germline.
Comment: The p.E662K variant (also known as c.1984G>A), located in coding exon 18 of the NSUN2 gene, results from a G to A substitution at nucleotide position 1984. The glutamic acid at codon 662 is replaced by lysine, an amino acid with similar properties. This amino acid position is well conserved in available vertebrate species. In addition, this alteration is predicted to be tolerated by in silico analysis. Since supporting evidence is limited at this time, the clinical significance of this alteration remains unclear.

NM_017755.6(NSUN2):c.1984G>A (p.Glu662Lys)

Gene: NSUN2 (NOP2/Sun RNA methyltransferase 2; minus strand). Cytogenetic location: 5p15.31.
Variant type: single nucleotide variant.
Coding change: c.1984G>A on transcript NM_017755.6 (MANE Select); coding-DNA position 1984, G replaced by A.
Protein change: p.Glu662Lys; replaces glutamic acid 662 with lysine.
Molecular consequence: missense variant. On other transcripts: non-coding transcript variant (1).
Genome position (GRCh38, 1-based): chr5:6,602,474, C>T on the plus strand (G>A on the coding strand, the complement: NSUN2 is on the minus strand). VCF-style: chr5-6602474-C-T. GRCh37 (hg19) VCF-style: chr5-6602587-C-T.
Other names: c.1879G>A, p.Glu627Lys (NM_001193455.2); short protein forms E662K, E627K.
Identifiers: ClinVar variation 1783855 (VCV001783855.2), dbSNP rs775173422, ClinGen allele CA3192245.